The following is an entry in ClinVar:

NM_030667.3(PTPRO):c.3222C>T (p.Asp1074=)

Gene: PTPRO (protein tyrosine phosphatase receptor type O; plus strand). Cytogenetic location: 12p12.3.
Variant type: single nucleotide variant.
Coding change: c.3222C>T on transcript NM_030667.3 (MANE Select); coding-DNA position 3222, C replaced by T.
Protein change: p.Asp1074=; no amino-acid change (aspartic acid 1074 retained).
Molecular consequence: synonymous variant.
Genome position (GRCh38, 1-based): chr12:15,581,768, C>T. VCF-style: chr12-15581768-C-T. GRCh37 (hg19) VCF-style: chr12-15734702-C-T.
Other names: c.3138C>T, p.Asp1046= (NM_002848.4); c.705C>T, p.Asp235= (NM_030668.3, NM_030670.3); c.789C>T, p.Asp263= (NM_030669.3, NM_030671.3).
Identifiers: ClinVar variation 737213 (VCV000737213.12), dbSNP rs144347297, ClinGen allele CA6467116.

ClinVar aggregate classification (germline): Benign/Likely benign. Review status: criteria provided, multiple submitters, no conflicts (2 of 4 stars). 4 submissions from 4 submitters: Benign (2); Likely benign (1). 1 of the submissions does not count toward it. Last evaluated 2025-11-23.

Conditions:
PTPRO-related disorder. Also called: PTPRO-related condition.
Nephrotic syndrome, type 6 (NPHS6). Identifiers: Orphanet 656, MedGen C3280100, MONDO:0013619, OMIM 614196.

Allele frequency attached by ClinVar (database versions not stated): ESP Exome Variant Server 0.00138; 1000 Genomes Project 0.00140; TOPMed 0.00143; 1000 Genomes Project 30x 0.00125.
gnomAD v4.1: 434 of 1,613,976 alleles (0.027%); highest among the groups gnomAD compares: African/African-American, 0.39%; 1 homozygote.

Submissions (4):

Labcorp Genetics (formerly Invitae), Labcorp
Classification: Benign. Last evaluated: 2025-11-23. Review status: criteria provided, single submitter. Criteria: Invitae Variant Classification Sherloc (09022015). Collection method: clinical testing. Allele origin: germline.

Blueprint Genetics
Classification: Likely benign. Last evaluated: 2024-07-05. Review status: criteria provided, single submitter. Criteria: ACMG Guidelines, 2015. Collection method: clinical testing. Allele origin: germline.

Fulgent Genetics
Classification: Benign for Nephrotic syndrome, type 6. Last evaluated: 2021-07-30. Review status: criteria provided, single submitter. Criteria: ACMG Guidelines, 2015. Collection method: clinical testing. Allele origin: unknown.

PreventionGenetics, part of Exact Sciences
Classification: Likely benign for PTPRO-related condition. Last evaluated: 2019-09-19. Review status: no assertion criteria provided. Collection method: clinical testing. Allele origin: germline. Not counted in ClinVar's aggregate classification.
Comment: This variant is classified as likely benign based on ACMG/AMP sequence variant interpretation guidelines (Richards et al. 2015 PMID: 25741868, with internal and published modifications).